The following is an entry in ClinVar:

ClinVar aggregate classification (germline): Benign (0 of 4 stars; one submission).

Conditions:
TP53I3-related disorder. Also called: TP53I3-related condition.

Allele frequency attached by ClinVar (database versions not stated): ESP Exome Variant Server 0.00446; 1000 Genomes Project 0.00459; 1000 Genomes Project 30x 0.00468; gnomAD exomes 0.00037; ExAC 0.00137; gnomAD 0.00367.
gnomAD v4.1: 1,132 of 1,614,146 alleles (0.07%); highest among the groups gnomAD compares: African/African-American, 1.3%; 10 homozygotes.

Submission:

PreventionGenetics, part of Exact Sciences
Classification: Benign for TP53I3-related condition. Last evaluated: 2019-11-26. Review status: no assertion criteria provided. Collection method: clinical testing. Allele origin: germline.
Comment: This variant is classified as benign based on ACMG/AMP sequence variant interpretation guidelines (Richards et al. 2015 PMID: 25741868, with internal and published modifications).

NM_004881.5(TP53I3):c.219G>A (p.Gly73=)

Genes: TP53I3 (tumor protein p53 inducible protein 3; minus strand), FAM228B (family with sequence similarity 228 member B; plus strand). Cytogenetic location: 2p23.3.
Variant type: single nucleotide variant.
Coding change: c.219G>A on transcript NM_004881.5 (MANE Select); coding-DNA position 219, G replaced by A.
Protein change: p.Gly73=; no amino-acid change (glycine 73 retained).
Molecular consequence: synonymous variant. On other transcripts: intron variant (1).
Genome position (GRCh38, 1-based): chr2:24,083,072, C>T on the plus strand (G>A on the coding strand, the complement: TP53I3 is on the minus strand). VCF-style: chr2-24083072-C-T. GRCh37 (hg19) VCF-style: chr2-24305942-C-T.
Other names: c.219G>A, p.Gly73= (NM_001206802.2, NM_147184.4); c.-210+2117C>T (NM_001291328.2).
Identifiers: ClinVar variation 3037275 (VCV003037275.2), dbSNP rs61741427, ClinGen allele CA1549682.